The following is an entry in ClinVar:

NM_182699.4(DDX53):c.1736C>T (p.Ala579Val)

Genes: DDX53 (DEAD-box helicase 53; plus strand), PTCHD1-AS (PTCHD1 antisense RNA (head to head); minus strand). Cytogenetic location: Xp22.11.
Variant type: single nucleotide variant.
Coding change: c.1736C>T on transcript NM_182699.4 (MANE Select); coding-DNA position 1736, C replaced by T.
Protein change: p.Ala579Val; replaces alanine 579 with valine.
Molecular consequence: missense variant.
Genome position (GRCh38, 1-based): chrX:23,001,793, C>T. VCF-style: chrX-23001793-C-T. GRCh37 (hg19) VCF-style: chrX-23019910-C-T.
Other names: short protein forms A579V.
Identifiers: ClinVar variation 3573545 (VCV003573545.1).
Genomic context (GRCh38, chrX:23,001,793, plus strand): 5'-GACGGACAGGAAAGACTGGCACATCAGTTACCCTCATCACTCAGAGAGATTCGAAAATGG[C>T]CGGTGAATTGATTAAAATTCTGGACAGAGCAAATCAGAGTGTTCCGGAAGATCTTGTAGT-3'
Protein context (NP_874358.2, residues 569-589): TLITQRDSKM[Ala579Val]GELIKILDRA

ClinVar aggregate classification (germline): Uncertain significance (1 of 4 stars; one submission).

gnomAD v4.1: 51 of 1,209,671 alleles (0.0042%); highest among the groups gnomAD compares: Non-Finnish European, 0.0055%; no homozygotes.

Submission:

GeneDx
Classification: Uncertain significance. Last evaluated: 2023-03-21. Review status: criteria provided, single submitter. Criteria: GeneDx Variant Classification Process June 2021. Collection method: clinical testing. Allele origin: germline. Affected: yes.
Comment: In silico analysis supports that this missense variant has a deleterious effect on protein structure/function; Has not been previously published as pathogenic or benign to our knowledge; Variants in candidate genes are classified as variants of uncertain significance in accordance with ACMG guidelines (Richards et al., 2015)